The following is an entry in ClinVar:

ClinVar aggregate classification (germline): Likely benign (1 of 4 stars; one submission).

Submission:

CeGaT Center for Human Genetics Tuebingen
Classification: Likely benign. Last evaluated: 2022-11-01. Review status: criteria provided, single submitter. Criteria: CeGaT Center For Human Genetics Tuebingen Variant Classification Criteria Version 2. Collection method: clinical testing. Allele origin: germline. Affected: yes. Observed: 1 variant allele.
Comment: HCN4: BS1

NC_000015.10:g.73377963_73377974del

Genes: HCN4 (hyperpolarization activated cyclic nucleotide gated potassium channel 4; minus strand), LOC110121492 (VISTA enhancer hs2161; plus strand). Cytogenetic location: 15q24.1.
Variant type: Deletion.
Genome position: GRCh38 VCF-style: chr15-73377956-GCTGTGACAGAGA-G. GRCh37 (hg19) VCF-style: chr15-73670297-GCTGTGACAGAGA-G.
Identifiers: ClinVar variation 2645530 (VCV002645530.24), dbSNP rs1271746224, ClinGen allele CA619079509.
Genomic context (GRCh38, chr15:73,377,956, plus strand): 5'-ACTGCAACAGAGACTGTGAGAGAGGCTGTGACAGAGGCTGTGATAGAGGCTGTGACAGGG[GCTGTGACAGAGA>G]CTGTGATAGAGGCTGTGACAGGGGCTGTGATAGAGGCTGTGACAGAGGCTGTGACAAGGG-3'